The following is an entry in ClinVar:

NM_032043.3(BRIP1):c.588C>G (p.Asn196Lys)

Gene: BRIP1 (BRCA1 interacting DNA helicase 1; minus strand). Cytogenetic location: 17q23.2.
Variant type: single nucleotide variant.
Coding change: c.588C>G on transcript NM_032043.3 (MANE Select); coding-DNA position 588, C replaced by G.
Protein change: p.Asn196Lys; replaces asparagine 196 with lysine.
Molecular consequence: missense variant.
Genome position (GRCh38, 1-based): chr17:61,847,140, G>C on the plus strand (C>G on the coding strand, the complement: BRIP1 is on the minus strand). VCF-style: chr17-61847140-G-C. GRCh37 (hg19) VCF-style: chr17-59924501-G-C.
Other names: short protein forms N196K.
Identifiers: ClinVar variation 584975 (VCV000584975.23), dbSNP rs758851721, ClinGen allele CA292277712.

ClinVar aggregate classification (germline): Conflicting classifications of pathogenicity. Review status: criteria provided, conflicting classifications (1 of 4 stars). 5 submissions from 5 submitters: Uncertain significance (4); Likely benign (1). Last evaluated 2025-09-09.

Conditions:
Hereditary cancer. Identifiers: MedGen C1333600.
Familial cancer of breast. Also called: hereditary breast carcinoma; BREAST CANCER, FAMILIAL; Hereditary breast cancer. Identifiers: Orphanet 227535, MedGen C0346153, MONDO:0016419, OMIM 114480. Disease mechanism: loss of function.
Fanconi anemia complementation group J. Also called: BRIP1-Related Fanconi Anemia. Identifiers: Orphanet 84, MedGen C1836860, MONDO:0012187, OMIM 609054.
Hereditary cancer-predisposing syndrome. Also called: Neoplastic Syndromes, Hereditary; Hereditary Cancer Syndrome; Tumor predisposition; Hereditary neoplastic syndrome. Identifiers: Orphanet 140162, MedGen C0027672, MeSH D009386, MONDO:0015356.

Allele frequency attached by ClinVar (database versions not stated): TOPMed 0.00001.

Submissions (5):

Ambry Genetics
Classification: Uncertain significance for Hereditary cancer-predisposing syndrome. Last evaluated: 2025-09-09. Review status: criteria provided, single submitter. Criteria: Ambry Variant Classification Scheme 2023. Collection method: clinical testing. Allele origin: germline.

Quest Diagnostics Nichols Institute San Juan Capistrano
Classification: Uncertain significance. Last evaluated: 2025-06-04. Review status: criteria provided, single submitter. Criteria: Quest Diagnostics criteria. Collection method: clinical testing. Allele origin: unknown.
Comment: The BRIP1 c.588C>G (p.Asn196Lys) variant has been reported in the published literature in individuals affected with breast cancer (PMID: 35534704 (2022), 35264596 (2022), 33606809 (2021)), thyroid cancer (PMID: 35534704 (2022)), and prostate cancer (PMID: 35957908 (2022)). This variant has not been reported in large, multi-ethnic general populations (Genome Aggregation Database). Analysis of this variant using bioinformatics tools for the prediction of the effect of amino acid changes on protein structure and function yielded predictions that this variant is benign. Based on the available information, we are unable to determine the clinical significance of this variant.

Labcorp Genetics (formerly Invitae), Labcorp
Classification: Uncertain significance for Familial cancer of breast; Fanconi anemia complementation group J. Last evaluated: 2025-01-22. Review status: criteria provided, single submitter. Criteria: Invitae Variant Classification Sherloc (09022015). Collection method: clinical testing. Allele origin: germline.
Comment: This sequence change replaces asparagine, which is neutral and polar, with lysine, which is basic and polar, at codon 196 of the BRIP1 protein (p.Asn196Lys). This variant is not present in population databases (gnomAD no frequency). This missense change has been observed in individual(s) with breast cancer, prostate cancer, and/or thyroid cancer (PMID: 35264596, 35534704, 35957908). ClinVar contains an entry for this variant (Variation ID: 584975). Invitae Evidence Modeling of protein sequence and biophysical properties (such as structural, functional, and spatial information, amino acid conservation, physicochemical variation, residue mobility, and thermodynamic stability) indicates that this missense variant is not expected to disrupt BRIP1 protein function with a negative predictive value of 95%. In summary, the available evidence is currently insufficient to determine the role of this variant in disease. Therefore, it has been classified as a Variant of Uncertain Significance.

Color Diagnostics, LLC DBA Color Health
Classification: Uncertain significance for Hereditary cancer-predisposing syndrome. Last evaluated: 2024-04-09. Review status: criteria provided, single submitter. Criteria: ACMG Guidelines, 2015. Collection method: clinical testing. Allele origin: germline.
Comment: This missense variant replaces asparagine with lysine at codon 196 of the BRIP1 protein. Computational prediction suggests that this variant may not impact protein structure and function. To our knowledge, functional studies have not been reported for this variant. This variant has been reported in individuals affected with breast cancer (PMID: 33606809, 35264596). This variant has not been identified in the general population by the Genome Aggregation Database (gnomAD). The available evidence is insufficient to determine the role of this variant in disease conclusively. Therefore, this variant is classified as a Variant of Uncertain Significance.

Mendelics
Classification: Likely benign for Hereditary cancer. Last evaluated: 2024-01-23. Review status: criteria provided, single submitter. Criteria: ACMG Guidelines, 2015. Collection method: clinical testing. Allele origin: unknown.

Literature cited by the submitters: PubMed 33606809 (cited by Quest Diagnostics Nichols Institute San Juan Capistrano and Color Diagnostics, LLC DBA Color Health); PubMed 35264596 (cited by 3 submitters); PubMed 35534704 (cited by Quest Diagnostics Nichols Institute San Juan Capistrano and Labcorp Genetics (formerly Invitae), Labcorp); PubMed 35957908 (cited by Quest Diagnostics Nichols Institute San Juan Capistrano and Labcorp Genetics (formerly Invitae), Labcorp).